The following is an entry in ClinVar:

ClinVar aggregate classification (germline): Benign. Review status: criteria provided, multiple submitters, no conflicts (2 of 4 stars). 6 submissions from 6 submitters: Benign (6). Last evaluated 2026-02-04.

Conditions:
Metaphyseal anadysplasia 2 (MANDP2). Also called: Metaphyseal anadysplasia 2, autosomal recessive. Identifiers: Orphanet 1040, MedGen C2751322, MONDO:0013113, OMIM 613073.

Allele frequency attached by ClinVar (database versions not stated): gnomAD exomes 0.57790 and 0.49899; 1000 Genomes Project 0.40595; 1000 Genomes Project 30x 0.41380; gnomAD 0.52671 and 0.53502; ESP Exome Variant Server 0.59958; ExAC 0.47076; TOPMed 0.51995.
gnomAD v4.1: 879,786 of 1,537,284 alleles (57%); highest among the groups gnomAD compares: Non-Finnish European, 61%; 257,695 homozygotes.

Submissions (6):

Labcorp Genetics (formerly Invitae), Labcorp
Classification: Benign. Last evaluated: 2026-02-04. Review status: criteria provided, single submitter. Criteria: Invitae Variant Classification Sherloc (09022015). Collection method: clinical testing. Allele origin: germline.

Genome-Nilou Lab
Classification: Benign for Metaphyseal anadysplasia 2. Last evaluated: 2021-09-05. Review status: criteria provided, single submitter. Criteria: ACMG Guidelines, 2015. Collection method: clinical testing. Allele origin: germline. Affected: no.

GeneDx
Classification: Benign. Last evaluated: 2018-11-12. Review status: criteria provided, single submitter. Criteria: GeneDx Variant Classification Process June 2021. Collection method: clinical testing. Allele origin: germline. Affected: yes.

Illumina Laboratory Services, Illumina
Classification: Benign for Metaphyseal anadysplasia 2. Last evaluated: 2018-01-12. Review status: criteria provided, single submitter. Criteria: ICSL Variant Classification Criteria 13 December 2019. Collection method: clinical testing. Allele origin: germline.
Comment: This variant was observed in the ICSL laboratory as part of a predisposition screen in an ostensibly healthy population. It had not been previously curated by ICSL or reported in the Human Gene Mutation Database (HGMD: prior to June 1st, 2018), and was therefore a candidate for classification through an automated scoring system. Utilizing variant allele frequency, disease prevalence and penetrance estimates, and inheritance mode, an automated score was calculated to assess if this variant is too frequent to cause the disease. Based on the score and internal cut-off values, a variant classified as benign is not then subjected to further curation. The score for this variant resulted in a classification of benign for this disease.

Eurofins Ntd Llc (ga)
Classification: Benign. Last evaluated: 2016-06-28. Review status: criteria provided, single submitter. Criteria: EGL Classification Definitions 2015. Collection method: clinical testing. Allele origin: germline. Observed: 69 variant alleles, 42 heterozygotes, 27 homozygotes.

Breakthrough Genomics
Classification: Benign. Review status: criteria provided, single submitter. Criteria: ACMG Guidelines, 2015. Collection method: not provided. Allele origin: germline. Inheritance: Autosomal recessive inheritance. Affected: yes.

NM_004994.3(MMP9):c.1821A>C (p.Gly607=)

Genes: MMP9 (matrix metallopeptidase 9; plus strand), SLC12A5-AS1 (SLC12A5 and MMP9 antisense RNA 1; minus strand). Cytogenetic location: 20q13.12.
Variant type: single nucleotide variant.
Coding change: c.1821A>C on transcript NM_004994.3 (MANE Select); coding-DNA position 1821, A replaced by C.
Protein change: p.Gly607=; no amino-acid change (glycine 607 retained).
Molecular consequence: synonymous variant. On other transcripts: non-coding transcript variant (1).
Genome position (GRCh38, 1-based): chr20:46,014,194, A>C. VCF-style: chr20-46014194-A-C. GRCh37 (hg19) VCF-style: chr20-44642833-A-C.
Identifiers: ClinVar variation 285363 (VCV000285363.22), dbSNP rs13969, ClinGen allele CA9886838.